The following is an entry in ClinVar:

ClinVar aggregate classification (germline): Uncertain significance (1 of 4 stars; one submission).

Submission:

Labcorp Genetics (formerly Invitae), Labcorp
Classification: Uncertain significance. Last evaluated: 2021-09-21. Review status: criteria provided, single submitter. Criteria: Invitae Variant Classification Sherloc (09022015). Collection method: clinical testing. Allele origin: germline.
Comment: This sequence change replaces threonine with alanine at codon 4 of the CDC6 protein (p.Thr4Ala). The threonine residue is moderately conserved and there is a small physicochemical difference between threonine and alanine. This variant is not present in population databases (ExAC no frequency). This variant has not been reported in the literature in individuals affected with CDC6-related conditions. Algorithms developed to predict the effect of missense changes on protein structure and function are either unavailable or do not agree on the potential impact of this missense change (SIFT: "Tolerated"; PolyPhen-2: "Possibly Damaging"; Align-GVGD: "Class C0"). Algorithms developed to predict the effect of sequence changes on RNA splicing suggest that this variant may create or strengthen a splice site. In summary, the available evidence is currently insufficient to determine the role of this variant in disease. Therefore, it has been classified as a Variant of Uncertain Significance.

NM_001254.4(CDC6):c.10A>G (p.Thr4Ala)

Gene: CDC6 (cell division cycle 6; plus strand). Cytogenetic location: 17q21.2.
Variant type: single nucleotide variant.
Coding change: c.10A>G on transcript NM_001254.4 (MANE Select); coding-DNA position 10, A replaced by G.
Protein change: p.Thr4Ala; replaces threonine 4 with alanine.
Molecular consequence: missense variant.
Genome position (GRCh38, 1-based): chr17:40,289,430, A>G. VCF-style: chr17-40289430-A-G. GRCh37 (hg19) VCF-style: chr17-38445682-A-G.
Other names: short protein forms T4A.
Identifiers: ClinVar variation 1382599 (VCV001382599.6), dbSNP rs2143066545, ClinGen allele CA399324540.